The following is an entry in ClinVar:

NM_001083962.2(TCF4):c.*2660A>G

Gene: TCF4 (transcription factor 4; minus strand). Cytogenetic location: 18q21.2.
Variant type: single nucleotide variant.
Coding change: c.*2660A>G on transcript NM_001083962.2 (MANE Select); 2660 bases downstream of the stop codon, A replaced by G.
Molecular consequence: 3 prime UTR variant.
Genome position (GRCh38, 1-based): chr18:55,225,375, T>C on the plus strand (A>G on the coding strand, the complement: TCF4 is on the minus strand). VCF-style: chr18-55225375-T-C. GRCh37 (hg19) VCF-style: chr18-52892606-T-C.
Other names: c.*2660A>G (NM_001243226.3, NM_001243227.2, NM_001243228.2 and 42 more transcripts).
Identifiers: ClinVar variation 327270 (VCV000327270.5), dbSNP rs140356463, ClinGen allele CA10641744.

ClinVar aggregate classification (germline): Benign (1 of 4 stars; one submission).

Conditions:
Pitt-Hopkins syndrome (PTHS). Also called: ENCEPHALOPATHY, SEVERE EPILEPTIC, WITH AUTONOMIC DYSFUNCTION; MENTAL RETARDATION, SYNDROMAL, WITH INTERMITTENT HYPERVENTILATION. Identifiers: Orphanet 2896, MedGen C1970431, MONDO:0012589, OMIM 610954.

Allele frequency attached by ClinVar (database versions not stated): gnomAD 0.00055 and 0.00072; 1000 Genomes Project 0.00060; 1000 Genomes Project 30x 0.00078; TOPMed 0.00109.

Submission:

Illumina Laboratory Services, Illumina
Classification: Benign for Pitt-Hopkins syndrome. Last evaluated: 2018-01-13. Review status: criteria provided, single submitter. Criteria: ICSL Variant Classification Criteria 13 December 2019. Collection method: clinical testing. Allele origin: germline.
Comment: This variant was observed in the ICSL laboratory as part of a predisposition screen in an ostensibly healthy population. It had not been previously curated by ICSL or reported in the Human Gene Mutation Database (HGMD: prior to June 1st, 2018), and was therefore a candidate for classification through an automated scoring system. Utilizing variant allele frequency, disease prevalence and penetrance estimates, and inheritance mode, an automated score was calculated to assess if this variant is too frequent to cause the disease. Based on the score and internal cut-off values, a variant classified as benign is not then subjected to further curation. The score for this variant resulted in a classification of benign for this disease.